The following is an entry in ClinVar:

ClinVar aggregate classification (germline): Likely benign (1 of 4 stars; one submission).

gnomAD v4.1: 485 of 1,571,366 alleles (0.031%); highest among the groups gnomAD compares: Middle Eastern, 0.19%; no homozygotes.

Submission:

CeGaT Center for Human Genetics Tuebingen
Classification: Likely benign. Last evaluated: 2026-06-01. Review status: criteria provided, single submitter. Criteria: CeGaT Center For Human Genetics Tuebingen Variant Classification Criteria Version 2. Collection method: clinical testing. Allele origin: germline. Affected: yes. Observed: 1 variant allele.
Comment: HCFC1R1: BP4, BP7

NM_017885.4(HCFC1R1):c.249C>G (p.Pro83=)

Gene: HCFC1R1 (host cell factor C1 regulator 1; minus strand). Cytogenetic location: 16p13.3.
Variant type: single nucleotide variant.
Coding change: c.249C>G on transcript NM_017885.4 (MANE Select); coding-DNA position 249, C replaced by G.
Protein change: p.Pro83=; no amino-acid change (proline 83 retained).
Molecular consequence: synonymous variant.
Genome position (GRCh38, 1-based): chr16:3,023,265, G>C on the plus strand (C>G on the coding strand, the complement: HCFC1R1 is on the minus strand). VCF-style: chr16-3023265-G-C. GRCh37 (hg19) VCF-style: chr16-3073266-G-C.
Other names: c.192C>G, p.Pro64= (NM_001002017.2, NM_001288666.1); c.249C>G, p.Pro83= (NM_001002018.2, NM_001288665.1); c.243C>G, p.Pro81= (NM_001288667.1); c.60C>G, p.Pro20= (NM_001288668.1); c.129C>G, p.Pro43= (NM_001308070.1).
Identifiers: ClinVar variation 4872621 (VCV004872621.2).
Genomic context (GRCh38, chr16:3,023,265, plus strand): 5'-AGAAGGCCTGGCCAGTGGAGGAACCTACCTGAGTGGGGGCAGGGCTGGGGAGAAGGTCAT[G>C]GGGGGGCTGCAGTAGGGGTGGTCATTGTGCAGGCTGAGTTGAGAGAAGTGGGTGGCCATG-3'
Protein context (NP_060355.1, residues 73-93): LHNDHPYCSP[Pro83=]MTFSPALPPL